The following is an entry in ClinVar:

NM_001111067.4(ACVR1):c.1399T>A (p.Leu467Ile)

Gene: ACVR1 (activin A receptor type 1; minus strand). Cytogenetic location: 2q24.1.
Variant type: single nucleotide variant.
Coding change: c.1399T>A on transcript NM_001111067.4 (MANE Select); coding-DNA position 1399, T replaced by A.
Protein change: p.Leu467Ile; replaces leucine 467 with isoleucine.
Molecular consequence: missense variant.
Genome position (GRCh38, 1-based): chr2:157,737,662, A>T on the plus strand (T>A on the coding strand, the complement: ACVR1 is on the minus strand). VCF-style: chr2-157737662-A-T. GRCh37 (hg19) VCF-style: chr2-158594174-A-T.
Other names: c.1399T>A, p.Leu467Ile (NM_001105.5, NM_001347663.1, NM_001347664.1 and 3 more transcripts); short protein forms L467I.
Identifiers: ClinVar variation 4716898 (VCV004716898.1).

ClinVar aggregate classification (germline): Uncertain significance (1 of 4 stars; one submission).

Submission:

Labcorp Genetics (formerly Invitae), Labcorp
Classification: Uncertain significance. Last evaluated: 2025-04-09. Review status: criteria provided, single submitter. Criteria: Invitae Variant Classification Sherloc (09022015). Collection method: clinical testing. Allele origin: germline.
Comment: This sequence change replaces leucine, which is neutral and non-polar, with isoleucine, which is neutral and non-polar, at codon 467 of the ACVR1 protein (p.Leu467Ile). This variant is not present in population databases (gnomAD no frequency). This variant has not been reported in the literature in individuals affected with ACVR1-related conditions. An algorithm developed to predict the effect of missense changes on protein structure and function (PolyPhen-2) suggests that this variant is likely to be disruptive. In summary, the available evidence is currently insufficient to determine the role of this variant in disease. Therefore, it has been classified as a Variant of Uncertain Significance.